The following is an entry in ClinVar:

ClinVar aggregate classification (germline): Uncertain significance (1 of 4 stars; one submission).

Conditions:
Ventricular septal defect 3 (VSD3). Identifiers: MedGen C3280785, MONDO:0013749, OMIM 614432.
Hypoplastic left heart syndrome 2 (HLHS2). Identifiers: Orphanet 2248, MedGen C3280795, MONDO:0013752, OMIM 614435.
Tetralogy of Fallot (TOF). Identifiers: Orphanet 3303, MedGen C0039685, MONDO:0008542, OMIM 187500, HP:0001636.

gnomAD v4.1: 1 of 1,515,720 alleles (0.000066%); highest among the groups gnomAD compares: Non-Finnish European, 0.000088%; no homozygotes.

Submission:

Clinical Genomics Laboratory, Washington University in St. Louis
Classification: Uncertain significance for Hypoplastic left heart syndrome 2; Tetralogy of Fallot; Ventricular septal defect 3. Last evaluated: 2025-11-21. Review status: criteria provided, single submitter. Criteria: ACMG Guidelines, 2015. Collection method: clinical testing. Allele origin: germline.
Comment: The NKX2-5 c.334+5G>A variant, to our knowledge, has not been reported in the medical literature and is absent from the general population (gnomAD v2.1.1), indicating it is not a common variant. Computational predictors indicate that the variant has no impact on splicing, evidence that this variant does not have a damaging effect on NKX2-5 function. Due to limited information, the clinical significance of this variant is uncertain.

Literature cited by the submitters: uncertain.

NM_004387.4(NKX2-5):c.334+5G>A

Gene: NKX2-5 (NK2 homeobox 5; minus strand). Cytogenetic location: 5q35.1.
Variant type: single nucleotide variant.
Coding change: c.334+5G>A on transcript NM_004387.4 (MANE Select); 5 bases into the intron after coding-DNA position 334, G replaced by A.
Molecular consequence: intron variant.
Genome position (GRCh38, 1-based): chr5:173,234,745, C>T on the plus strand (G>A on the coding strand, the complement: NKX2-5 is on the minus strand). VCF-style: chr5-173234745-C-T. GRCh37 (hg19) VCF-style: chr5-172661748-C-T.
Other names: c.334+5G>A (NM_001166176.2, NM_001166175.2).
Identifiers: ClinVar variation 4974681 (VCV004974681.1).